The following is an entry in ClinVar:

ClinVar aggregate classification (germline): Uncertain significance. Review status: reviewed by expert panel (3 of 4 stars). 2 submissions from 2 submitters: Uncertain significance (1). 1 of the submissions does not count toward it. Last evaluated 2024-10-02.

Conditions:
Hereditary antithrombin deficiency (AT3D). Also called: Reduced antithrombin III activity; Antithrombin III deficiency; Thrombophilia due to antithrombin III deficiency; Antithrombin deficiency. Identifiers: Orphanet 82, MedGen C0272375, MONDO:0013144, OMIM 613118, HP:0001976.

Allele frequency attached by ClinVar (database versions not stated): TOPMed below 0.00001; gnomAD 0.00001; ExAC 0.00002.
gnomAD v4.1: 10 of 1,614,056 alleles (0.00062%); highest among the groups gnomAD compares: South Asian, 0.0077%; no homozygotes.

Submissions (2):

Clingen Thrombosis Variant Curation Expert Panel, ClinGen
Classification: Uncertain significance for Hereditary antithrombin deficiency. Last evaluated: 2024-10-02. Review status: reviewed by expert panel. Criteria: ClinGen ACMG Specifications SERPINC1 V1.0.0. Collection method: curation. Allele origin: germline. Inheritance: Autosomal dominant inheritance.
Comment: The c.1278G>A (NM_000488.4) variant in SERPINC1 does not code for a different amino acid (p.Ser426=). SpliceAI predicts no splicing impact for this variant which suggests that the variant does not impact SERPINC1 function (BP4). In summary, based on the evidence available at this time, the clinical significance of this variant is uncertain. ACMG/AMP criteria applied, as specified by the Thrombosis Variant Curation Expert Panel for SERPINC1: BP4.

Labcorp Genetics (formerly Invitae), Labcorp
Classification: Likely benign for Hereditary antithrombin deficiency. Last evaluated: 2021-07-03. Review status: criteria provided, single submitter. Criteria: Invitae Variant Classification Sherloc (09022015). Collection method: clinical testing. Allele origin: germline. Not counted in ClinVar's aggregate classification.

NM_000488.4(SERPINC1):c.1278G>A (p.Ser426=)

Gene: SERPINC1 (serpin family C member 1; minus strand). Cytogenetic location: 1q25.1.
Variant type: single nucleotide variant.
Coding change: c.1278G>A on transcript NM_000488.4 (MANE Select); coding-DNA position 1278, G replaced by A.
Protein change: p.Ser426=; no amino-acid change (serine 426 retained).
Molecular consequence: synonymous variant.
Genome position (GRCh38, 1-based): chr1:173,904,006, C>T on the plus strand (G>A on the coding strand, the complement: SERPINC1 is on the minus strand). VCF-style: chr1-173904006-C-T. GRCh37 (hg19) VCF-style: chr1-173873144-C-T.
Other names: NM_000488.4(SERPINC1):c.1278G>A; p.Ser426=; c.1134G>A, p.Ser378= (NM_001365052.2); c.1401G>A, p.Ser467= (NM_001386302.1); c.1359G>A, p.Ser453= (NM_001386303.1); c.1257G>A, p.Ser419= (NM_001386304.1); c.1221G>A, p.Ser407= (NM_001386305.1); c.1062G>A, p.Ser354= (NM_001386306.1).
Identifiers: ClinVar variation 1576061 (VCV001576061.9), dbSNP rs773792958, ClinGen allele CA1251221.